The following is an entry in ClinVar:

NM_145290.4(ADGRA3):c.3791A>G (p.Asp1264Gly)

Gene: ADGRA3 (adhesion G protein-coupled receptor A3; minus strand). Cytogenetic location: 4p15.2.
Variant type: single nucleotide variant.
Coding change: c.3791A>G on transcript NM_145290.4 (MANE Select); coding-DNA position 3791, A replaced by G.
Protein change: p.Asp1264Gly; replaces aspartic acid 1264 with glycine.
Molecular consequence: missense variant.
Genome position (GRCh38, 1-based): chr4:22,387,880, T>C on the plus strand (A>G on the coding strand, the complement: ADGRA3 is on the minus strand). VCF-style: chr4-22387880-T-C. GRCh37 (hg19) VCF-style: chr4-22389503-T-C.
Other names: short protein forms D1264G.
Identifiers: ClinVar variation 1059732 (VCV001059732.9), dbSNP rs144172018, ClinGen allele CA93479461.

ClinVar aggregate classification (germline): Uncertain significance (1 of 4 stars; one submission).

Allele frequency attached by ClinVar (database versions not stated): gnomAD exomes below 0.00001; ESP Exome Variant Server 0.00008.
gnomAD v4.1: 2 of 1,614,172 alleles (0.00012%); highest among the groups gnomAD compares: South Asian, 0.0011%; no homozygotes.

Submission:

Labcorp Genetics (formerly Invitae), Labcorp
Classification: Uncertain significance. Last evaluated: 2020-04-30. Review status: criteria provided, single submitter. Criteria: Invitae Variant Classification Sherloc (09022015). Collection method: clinical testing. Allele origin: germline.
Comment: This sequence change replaces aspartic acid with glycine at codon 1264 of the ADGRA3 protein (p.Asp1264Gly). The aspartic acid residue is moderately conserved and there is a moderate physicochemical difference between aspartic acid and glycine. This variant is not present in population databases (ExAC no frequency). This variant has not been reported in the literature in individuals with ADGRA3-related conditions. Algorithms developed to predict the effect of missense changes on protein structure and function are either unavailable or do not agree on the potential impact of this missense change (SIFT: "Tolerated"; PolyPhen-2: "Benign"; Align-GVGD: "Class C0"). Algorithms developed to predict the effect of sequence changes on RNA splicing suggest that this variant may create or strengthen a splice site, but this prediction has not been confirmed by published transcriptional studies. In summary, the available evidence is currently insufficient to determine the role of this variant in disease. Therefore, it has been classified as a Variant of Uncertain Significance.